The following is an entry in ClinVar:

ClinVar aggregate classification (germline): Uncertain significance (1 of 4 stars; one submission).

Submission:

GeneDx
Classification: Uncertain significance. Last evaluated: 2018-05-16. Review status: criteria provided, single submitter. Criteria: GeneDx Variant Classification (06012015). Collection method: clinical testing. Allele origin: germline. Affected: yes.
Comment: A variant of uncertain significance has been identified in the MBD5 gene. The c.1470_1478delCAGGTCACC variant has not been published as a pathogenic variant, nor has it been reported as a benign variant to our knowledge. The c.1470_1478delCAGGTCACC variant is not observed in large population cohorts (Lek et al., 2016). The c.1470_1478delCAGGTCACC variant results in an in-frame deletion of 3 amino acid residues, denoted p.Pro493_Ser495del. This variant is not predicted to cause loss of normal protein function through protein truncation or nonsense-mediated mRNA decay. In-silico analyses, including protein predictors and evolutionary conservation, support a deleterious effect. However, to our knowledge, only loss-of-function pathogenic variants in MBD5 have been published in association with epilepsy. Therefore, based on the currently available information, it is unclear whether this variant is a pathogenic variant or a rare benign variant.

NM_001378120.1(MBD5):c.1470_1478del (p.490PRS[1])

Gene: MBD5 (methyl-CpG binding domain protein 5; plus strand). Cytogenetic location: 2q23.1.
Variant type: Deletion.
Coding change: c.1470_1478del on transcript NM_001378120.1 (MANE Select); coding-DNA positions 1470 to 1478, 9 bases deleted (CAGGTCACC; older notation c.1470_1478delCAGGTCACC).
Protein change: p.490PRS[1].
Molecular consequence: inframe deletion.
Genome position (GRCh38, 1-based): chr2:148,469,413-148,469,421, CAGGTCACC deleted; deleting any 9 consecutive bases within chr2:148,469,409-148,469,421 gives the same sequence; the c. name uses the placement nearest the transcript's 3' end. VCF-style (leftmost placement, unchanged base first): chr2-148469408-CCACCCAGGT-C. GRCh37 (hg19) VCF-style: chr2-149226977-CCACCCAGGT-C.
Other names: c.1470_1478del, p.490PRS[1] (NM_018328.5); c.1470_1478delCAGGTCACC (NM_018328.4).
Identifiers: ClinVar variation 546443 (VCV000546443.2), dbSNP rs1553518587, ClinGen allele CA658822695.